The following is an entry in ClinVar:

NM_000142.5(FGFR3):c.1747A>G (p.Lys583Glu)

Gene: FGFR3 (fibroblast growth factor receptor 3; plus strand). Cytogenetic location: 4p16.3.
Variant type: single nucleotide variant.
Coding change: c.1747A>G on transcript NM_000142.5 (MANE Select); coding-DNA position 1747, A replaced by G.
Protein change: p.Lys583Glu; replaces lysine 583 with glutamic acid.
Molecular consequence: missense variant. On other transcripts: non-coding transcript variant (1).
Genome position (GRCh38, 1-based): chr4:1,805,851, A>G. VCF-style: chr4-1805851-A-G. GRCh37 (hg19) VCF-style: chr4-1807578-A-G.
Other names: c.1753A>G, p.Lys585Glu (NM_001163213.2); c.1750A>G, p.Lys584Glu (NM_001354809.2, NM_001354810.2); c.1411A>G, p.Lys471Glu (NM_022965.4); short protein forms K471E, K583E, K584E, K585E.
Identifiers: ClinVar variation 4856118 (VCV004856118.1).

ClinVar aggregate classification (germline): Uncertain significance (1 of 4 stars; one submission).

Conditions:
FGFR3-related disorder. Also called: FGFR3-related disorders.

Submission:

3billion
Classification: Uncertain significance for FGFR3-related disorder. Last evaluated: 2025-10-07. Review status: criteria provided, single submitter. Criteria: ACMG Guidelines, 2015. Collection method: clinical testing. Allele origin: germline. Affected: yes.
Comment: The variant is not observed in the gnomAD v4.1.0 dataset. Predicted Consequence/Location: Missense variant. Missense changes are a common disease-causing mechanism. In silico tool prediction suggests damaging effect of the variant on gene or gene product [3Cnet: 0.87 (> 0.75, sensitivity 0.96 and precision 0.92)]. Different missense changes at the same codon have been reported as of uncertain significance (ClinVar ID: VCV002725941). Therefore, this variant is classified as VUS according to the recommendation of ACMG/AMP guideline.